The following is an entry in ClinVar:

ClinVar aggregate classification (germline): Likely pathogenic. Review status: criteria provided, single submitter (1 of 4 stars). 2 submissions from 2 submitters: Likely pathogenic (1). 1 of the submissions does not count toward it. Last evaluated 2024-12-02.

Conditions:
Nemaline myopathy 2 (NEM2). Also called: Nemaline myopathy 2, autosomal recessive. Identifiers: MedGen C1850569, MONDO:0009725, OMIM 256030.

Submissions (2):

Natera, Inc.
Classification: Likely pathogenic for Nemaline myopathy type 2. Last evaluated: 2024-12-02. Review status: criteria provided, single submitter. Criteria: Natera Variant Classification Schema (03/2026). Collection method: clinical testing. Allele origin: germline.
Comment: The c.24128_24131dup variant in NEB is a frameshift variant predicted to shift the reading frame beginning at codon 8044 and leads to a stop codon 4 codons downstream. This variant is expected to result in nonsense mediated decay, truncation, or a dysfunctional protein product. This variant is rare in the general population with a frequency below the threshold expected for the associated phenotype(s). Given the available evidence, this variant is classified as Likely Pathogenic.

Counsyl
Classification: Likely pathogenic for Nemaline myopathy 2. Last evaluated: 2017-05-23. Review status: no assertion criteria provided. Collection method: clinical testing. Allele origin: unknown. Not counted in ClinVar's aggregate classification.

NM_001164508.2(NEB):c.24023_24026dup (p.Leu8009fs)

Genes: NEB (nebulin; minus strand), RIF1 (replication timing regulatory factor 1; plus strand). Cytogenetic location: 2q23.3.
Variant type: Duplication.
Coding change: c.24023_24026dup on transcript NM_001164508.2 (MANE Select); coding-DNA positions 24023 to 24026, 4 bases duplicated (TGTT; older notation c.24023_24026dupTGTT).
Protein change: p.Leu8009fs; shifts the reading frame from leucine 8009.
Molecular consequence: frameshift variant. On other transcripts: intron variant (1).
Genome position (GRCh38, 1-based): chr2:151,499,386-151,499,389, AACA duplicated on the plus strand (TGTT on the coding strand, the reverse complement: NEB is on the minus strand). VCF-style (leftmost placement, unchanged base first): chr2-151499385-C-CAACA. GRCh37 (hg19) VCF-style: chr2-152355899-C-CAACA.
Other names: c.24023_24026dup, p.Leu8009fs (NM_001164507.2); c.24128_24131dup, p.Leu8044fs (NM_001271208.2); c.18826-3021_18826-3018dup (NM_004543.5); c.24128_24131dupTGTT (NM_001271208.1); c.24128_24131dup (NM_001271208.1); short protein forms L8009fs, L8044fs.
Identifiers: ClinVar variation 552005 (VCV000552005.3), dbSNP rs1553561665, ClinGen allele CA658821212.
Genomic context (GRCh38, chr2:151,499,385, plus strand): 5'-GACTCTCTCCATCTCTGGAGTGATGGGGATTGGAATCCCTTTTCCAACGTTTTCTTTATA[C>CAACA]AACACCTGTATGACACAAGAAAGCATCCAGAAAAAACAAGAGCAGTCAAAACAGCCCTTT-3'